The following is an entry in ClinVar:

ClinVar aggregate classification (germline): Uncertain significance. Review status: criteria provided, multiple submitters, no conflicts (2 of 4 stars). 3 submissions from 3 submitters: Uncertain significance (3). Last evaluated 2024-09-28.

Conditions:
Eichsfeld type congenital muscular dystrophy (CMYO3). Also called: MYOPATHY, SEPN1-RELATED; SELENON-related myopathy; Congenital myopathy 3 with rigid spine; Rigid spine muscular dystrophy 1. Identifiers: MedGen C0410180, MONDO:0100100, OMIM 602771.
Inborn genetic diseases. Identifiers: MedGen C0950123, MeSH D030342.

Allele frequency attached by ClinVar (database versions not stated): ExAC 0.00001; gnomAD exomes 0.00002 and 0.00009; gnomAD 0.00005 and 0.00006; TOPMed 0.00005.
gnomAD v4.1: 144 of 1,614,042 alleles (0.0089%); highest among the groups gnomAD compares: Non-Finnish European, 0.012%; no homozygotes.

Submissions (3):

Labcorp Genetics (formerly Invitae), Labcorp
Classification: Uncertain significance for Eichsfeld type congenital muscular dystrophy. Last evaluated: 2024-09-28. Review status: criteria provided, single submitter. Criteria: Invitae Variant Classification Sherloc (09022015). Collection method: clinical testing. Allele origin: germline.
Comment: This sequence change replaces isoleucine, which is neutral and non-polar, with valine, which is neutral and non-polar, at codon 546 of the SELENON protein (p.Ile546Val). This variant is present in population databases (rs749237378, gnomAD 0.004%). This variant has not been reported in the literature in individuals affected with SELENON-related conditions. ClinVar contains an entry for this variant (Variation ID: 426571). Invitae Evidence Modeling of protein sequence and biophysical properties (such as structural, functional, and spatial information, amino acid conservation, physicochemical variation, residue mobility, and thermodynamic stability) has been performed for this missense variant. However, the output from this modeling did not meet the statistical confidence thresholds required to predict the impact of this variant on SELENON protein function. In summary, the available evidence is currently insufficient to determine the role of this variant in disease. Therefore, it has been classified as a Variant of Uncertain Significance.

Ambry Genetics
Classification: Uncertain significance for Inborn genetic diseases. Last evaluated: 2024-04-06. Review status: criteria provided, single submitter. Criteria: Ambry Variant Classification Scheme 2023. Collection method: clinical testing. Allele origin: germline.

GeneDx
Classification: Uncertain significance. Last evaluated: 2017-04-12. Review status: criteria provided, single submitter. Criteria: GeneDx Variant Classification (06012015). Collection method: clinical testing. Allele origin: germline. Affected: yes.
Comment: The I546V variant has not been published as a pathogenic variant, nor has it been reported as a benign variant to our knowledge. The I546V variant is not observed at a significant frequency in large population cohorts (Lek et al., 2016; 1000 Genomes Consortium et al., 2015; Exome Variant Server). This variant is a conservative amino acid substitution, which is not likely to impact secondary protein structure as these residues share similar properties. However, this substitution occurs at a position that is conserved in mammals, and in silico analysis is inconsistent in its predictions as to whether or not the variant is damaging to the protein structure/function.

NM_206926.2(SELENON):c.1534A>G (p.Ile512Val)

Gene: SELENON (selenoprotein N; plus strand). Cytogenetic location: 1p36.11.
Variant type: single nucleotide variant.
Coding change: c.1534A>G on transcript NM_206926.2 (MANE Select); coding-DNA position 1534, A replaced by G.
Protein change: p.Ile512Val; replaces isoleucine 512 with valine.
Molecular consequence: missense variant.
Genome position (GRCh38, 1-based): chr1:25,815,581, A>G. VCF-style: chr1-25815581-A-G. GRCh37 (hg19) VCF-style: chr1-26142072-A-G.
Other names: c.1636A>G, p.Ile546Val (NM_020451.3); short protein forms I546V, I512V.
Identifiers: ClinVar variation 426571 (VCV000426571.11), dbSNP rs749237378, ClinGen allele CA696962.